The following is an entry in ClinVar:

NM_000516.7(GNAS):c.313-21G>A

Gene: GNAS (GNAS complex locus; plus strand). Cytogenetic location: 20q13.32.
Variant type: single nucleotide variant.
Coding change: c.313-21G>A on transcript NM_000516.7 (MANE Select); 21 bases into the intron before coding-DNA position 313, G replaced by A.
Molecular consequence: intron variant.
Genome position (GRCh38, 1-based): chr20:58,903,651, G>A. VCF-style: chr20-58903651-G-A. GRCh37 (hg19) VCF-style: chr20-57478706-G-A.
Other names: c.*219-21G>A (NM_016592.5); c.217-21G>A (NM_001410912.1); c.136-21G>A (NM_001309861.2, NM_001439291.1, NM_001309840.2 and 1 more transcripts); c.*174-21G>A (NM_001077490.3); c.2242-21G>A (NM_080425.4); c.2197-21G>A (NM_001410913.1); c.91-21G>A (NM_001438273.1, NM_001438274.1, NM_001438275.1); c.316-21G>A (NM_001077488.5); and 2 more.
Identifiers: ClinVar variation 4986777 (VCV004986777.1).

ClinVar aggregate classification (germline): Likely benign (1 of 4 stars; one submission).

Conditions:
GNAS-related disorder. Identifiers: MedGen CN380105.

gnomAD v4.1: 17 of 1,613,916 alleles (0.0011%); highest among the groups gnomAD compares: East Asian, 0.013%; no homozygotes.

Submission:

PreventionGenetics, part of Exact Sciences
Classification: Likely benign for GNAS-related condition. Last evaluated: 2026-07-21. Review status: criteria provided, single submitter. Criteria: ACMG Guidelines, 2015. Collection method: clinical testing. Allele origin: germline.
Comment: This variant is classified as likely benign based on ACMG/AMP sequence variant interpretation guidelines (Richards et al. 2015 PMID: 25741868, with internal and published modifications).